The following is an entry in ClinVar:

NM_002878.4(RAD51D):c.959G>C (p.Ser320Thr)

Genes: RAD51L3-RFFL (RAD51L3-RFFL readthrough; minus strand), RAD51D (RAD51 paralog D; minus strand). Cytogenetic location: 17q12.
Variant type: single nucleotide variant.
Coding change: c.959G>C on transcript NM_002878.4 (MANE Select); coding-DNA position 959, G replaced by C.
Protein change: p.Ser320Thr; replaces serine 320 with threonine.
Molecular consequence: missense variant. On other transcripts: non-coding transcript variant (2).
Genome position (GRCh38, 1-based): chr17:35,100,981, C>G on the plus strand (G>C on the coding strand, the complement: RAD51D is on the minus strand). VCF-style: chr17-35100981-C-G. GRCh37 (hg19) VCF-style: chr17-33428000-C-G.
Other names: c.1019G>C, p.Ser340Thr (NM_001142571.2); c.623G>C, p.Ser208Thr (NM_133629.3); short protein forms S208T, S340T, S320T.
Identifiers: ClinVar variation 844601 (VCV000844601.9), dbSNP rs763683070, ClinGen allele CA399086080.

ClinVar aggregate classification (germline): Uncertain significance. Review status: criteria provided, multiple submitters, no conflicts (2 of 4 stars). 2 submissions from 2 submitters: Uncertain significance (2). Last evaluated 2022-08-09.

Conditions:
Hereditary cancer-predisposing syndrome. Also called: Tumor predisposition; Hereditary neoplastic syndrome; Neoplastic Syndromes, Hereditary; Hereditary Cancer Syndrome. Identifiers: Orphanet 140162, MedGen C0027672, MeSH D009386, MONDO:0015356.
Breast-ovarian cancer, familial, susceptibility to, 4. Identifiers: Orphanet 145, MedGen C3280345, MONDO:0013669, OMIM 614291.

Allele frequency attached by ClinVar (database versions not stated): TOPMed below 0.00001.

Submissions (2):

Labcorp Genetics (formerly Invitae), Labcorp
Classification: Uncertain significance for Breast-ovarian cancer, familial, susceptibility to, 4. Last evaluated: 2022-08-09. Review status: criteria provided, single submitter. Criteria: Invitae Variant Classification Sherloc (09022015). Collection method: clinical testing. Allele origin: germline.
Comment: In summary, the available evidence is currently insufficient to determine the role of this variant in disease. Therefore, it has been classified as a Variant of Uncertain Significance. Algorithms developed to predict the effect of missense changes on protein structure and function (SIFT, PolyPhen-2, Align-GVGD) all suggest that this variant is likely to be tolerated. ClinVar contains an entry for this variant (Variation ID: 844601). This variant has not been reported in the literature in individuals affected with RAD51D-related conditions. This variant is not present in population databases (gnomAD no frequency). This sequence change replaces serine, which is neutral and polar, with threonine, which is neutral and polar, at codon 320 of the RAD51D protein (p.Ser320Thr).

Color Diagnostics, LLC DBA Color Health
Classification: Uncertain significance for Hereditary cancer-predisposing syndrome. Last evaluated: 2019-03-14. Review status: criteria provided, single submitter. Criteria: ACMG Guidelines, 2015. Collection method: clinical testing. Allele origin: germline.